The following is an entry in ClinVar:

ClinVar aggregate classification (germline): Uncertain significance. Review status: criteria provided, multiple submitters, no conflicts (2 of 4 stars). 2 submissions from 2 submitters: Uncertain significance (2). Last evaluated 2019-12-10.

Conditions:
Cardiovascular phenotype. Identifiers: MedGen CN230736.

Allele frequency attached by ClinVar (database versions not stated): gnomAD exomes below 0.00001 and 0.00003; TOPMed 0.00001; gnomAD 0.00003.
gnomAD v4.1: 54 of 1,613,734 alleles (0.0033%); highest among the groups gnomAD compares: Non-Finnish European, 0.004%; no homozygotes.

Submissions (2):

Ambry Genetics
Classification: Uncertain significance for Cardiovascular phenotype. Last evaluated: 2019-12-10. Review status: criteria provided, single submitter. Criteria: Ambry Variant Classification Scheme 2023. Collection method: clinical testing. Allele origin: germline.
Comment: The p.T20727I variant (also known as c.62180C>T), located in coding exon 161 of the TTN gene, results from a C to T substitution at nucleotide position 62180. The threonine at codon 20727 is replaced by isoleucine, an amino acid with similar properties. This amino acid position is well conserved in available vertebrate species. In addition, this alteration is predicted to be tolerated by in silico analysis. Since supporting evidence is limited at this time, the clinical significance of this alteration remains unclear.

Laboratory for Molecular Medicine, Mass General Brigham Personalized Medicine
Classification: Uncertain significance. Last evaluated: 2014-12-31. Review status: criteria provided, single submitter. Criteria: LMM Criteria. Collection method: clinical testing. Allele origin: germline. Observed: 1 variant allele.
Comment: The p.Thr27224Ile variant in TTN has not been previously reported in individuals with cardiomyopathy and was absent from large population studies. Computational prediction tools and conservation analysis suggest that the variant may impact the protein, though this information is not predictive enough to determine patho genicity. In summary, the clinical significance of the p.Thr27224Ile variant is uncertain.

NM_001267550.2(TTN):c.89375C>T (p.Thr29792Ile)

Genes: TTN-AS1 (TTN antisense RNA 1; plus strand), TTN (titin; minus strand). Cytogenetic location: 2q31.2.
Variant type: single nucleotide variant.
Coding change: c.89375C>T on transcript NM_001267550.2 (MANE Select); coding-DNA position 89375, C replaced by T.
Protein change: p.Thr29792Ile; replaces threonine 29792 with isoleucine.
Molecular consequence: missense variant.
Genome position (GRCh38, 1-based): chr2:178,553,630, G>A on the plus strand (C>T on the coding strand, the complement: TTN is on the minus strand). VCF-style: chr2-178553630-G-A. GRCh37 (hg19) VCF-style: chr2-179418357-G-A.
Other names: c.81671C>T, p.Thr27224Ile (NM_133378.4); c.84452C>T, p.Thr28151Ile (NM_001256850.1); c.62180C>T, p.Thr20727Ile (NM_003319.4); c.62555C>T, p.Thr20852Ile (NM_133432.3); c.62756C>T, p.Thr20919Ile (NM_133437.4); short protein forms T27224I, T29792I, T20727I, T20919I, T28151I, T20852I.
Identifiers: ClinVar variation 229538 (VCV000229538.7), dbSNP rs876658091, ClinGen allele CA10576464.